The following is an entry in ClinVar:

NM_014989.7(RIMS1):c.1316C>T (p.Pro439Leu)

Gene: RIMS1 (regulating synaptic membrane exocytosis 1; plus strand). Cytogenetic location: 6q13.
Variant type: single nucleotide variant.
Coding change: c.1316C>T on transcript NM_014989.7 (MANE Select); coding-DNA position 1316, C replaced by T.
Protein change: p.Pro439Leu; replaces proline 439 with leucine.
Molecular consequence: missense variant.
Genome position (GRCh38, 1-based): chr6:72,182,787, C>T. VCF-style: chr6-72182787-C-T. GRCh37 (hg19) VCF-style: chr6-72892490-C-T.
Other names: short protein forms P439L.
Identifiers: ClinVar variation 4725178 (VCV004725178.1).

ClinVar aggregate classification (germline): Uncertain significance (1 of 4 stars; one submission).

gnomAD v4.1: 3 of 1,546,058 alleles (0.00019%); highest among the groups gnomAD compares: African/African-American, 0.0014%; no homozygotes.

Submission:

Labcorp Genetics (formerly Invitae), Labcorp
Classification: Uncertain significance. Last evaluated: 2025-08-10. Review status: criteria provided, single submitter. Criteria: Invitae Variant Classification Sherloc (09022015). Collection method: clinical testing. Allele origin: germline.
Comment: This sequence change replaces proline, which is neutral and non-polar, with leucine, which is neutral and non-polar, at codon 439 of the RIMS1 protein (p.Pro439Leu). This variant is not present in population databases (gnomAD no frequency). This variant has not been reported in the literature in individuals affected with RIMS1-related conditions. An algorithm developed to predict the effect of missense changes on protein structure and function (PolyPhen-2) suggests that this variant is likely to be tolerated. In summary, the available evidence is currently insufficient to determine the role of this variant in disease. Therefore, it has been classified as a Variant of Uncertain Significance.